The following is an entry in ClinVar:

NM_000535.7(PMS2):c.1607A>C (p.Gln536Pro)

Gene: PMS2 (PMS1 homolog 2, mismatch repair system component; minus strand). Cytogenetic location: 7p22.1.
Variant type: single nucleotide variant.
Coding change: c.1607A>C on transcript NM_000535.7 (MANE Select); coding-DNA position 1607, A replaced by C.
Protein change: p.Gln536Pro; replaces glutamine 536 with proline.
Molecular consequence: missense variant. On other transcripts: non-coding transcript variant (1), intron variant (1).
Genome position (GRCh38, 1-based): chr7:5,987,158, T>G on the plus strand (A>C on the coding strand, the complement: PMS2 is on the minus strand). VCF-style: chr7-5987158-T-G. GRCh37 (hg19) VCF-style: chr7-6026789-T-G.
Other names: c.1202A>C, p.Gln401Pro (NM_001322003.2, NM_001322004.2, NM_001322005.2 and 16 more transcripts); c.1451A>C, p.Gln484Pro (NM_001322006.2, NM_001406870.1); c.1289A>C, p.Gln430Pro (NM_001322007.2, NM_001322008.2, NM_001406883.1 and 2 more transcripts); c.1046A>C, p.Gln349Pro (NM_001322010.2, NM_001406906.1, NM_001406907.1); c.674A>C, p.Gln225Pro (NM_001322011.2, NM_001322012.2); c.1034A>C, p.Gln345Pro (NM_001322013.2, NM_001406909.1); c.1607A>C, p.Gln536Pro (NM_001322014.2, NM_001406871.1, NM_001406872.1); c.1298A>C, p.Gln433Pro (NM_001322015.2, NM_001406882.1, NM_001406875.1 and 5 more transcripts); and 13 more; short protein forms Q225P, Q345P, Q381P, Q433P, Q484P, Q544P, Q598P, Q279P.
Identifiers: ClinVar variation 4140498 (VCV004140498.1).
Genomic context (GRCh38, chr7:5,987,158, plus strand): 5'-TCCTGGTTTGAATGGCAGTCCACATCTGAAAAAGAGTCGTCAGTTTTAGGCGCTTTCTCC[T>G]GAGAGTCCACATGTTCCTGCGAGCCCCTGTCCCCTGGGGAGCTGGCCGCATACTCGCTGC-3'
Protein context (NP_000526.2, residues 526-546): DRGSQEHVDS[Gln536Pro]EKAPKTDDSF

ClinVar aggregate classification (germline): Uncertain significance (1 of 4 stars; one submission).

Conditions:
Hereditary cancer-predisposing syndrome. Also called: Hereditary neoplastic syndrome; Neoplastic Syndromes, Hereditary; Tumor predisposition; Hereditary Cancer Syndrome. Identifiers: Orphanet 140162, MedGen C0027672, MeSH D009386, MONDO:0015356.

Submission:

Ambry Genetics
Classification: Uncertain significance for Hereditary cancer-predisposing syndrome. Last evaluated: 2025-07-08. Review status: criteria provided, single submitter. Criteria: Ambry Variant Classification Scheme 2023. Collection method: clinical testing. Allele origin: germline.
Comment: The p.Q536P variant (also known as c.1607A>C), located in coding exon 11 of the PMS2 gene, results from an A to C substitution at nucleotide position 1607. The glutamine at codon 536 is replaced by proline, an amino acid with similar properties. This amino acid position is conserved. In addition, this alteration is predicted to be tolerated by in silico analysis. Based on the available evidence, the clinical significance of this variant remains unclear.